The following is an entry in ClinVar:

ClinVar aggregate classification (germline): Likely benign. Review status: criteria provided, multiple submitters, no conflicts (2 of 4 stars). 2 submissions from 2 submitters: Likely benign (2). Last evaluated 2025-07-02.

Conditions:
Progressive sclerosing poliodystrophy (MTDPS4A). Also called: ALPERS PROGRESSIVE INFANTILE POLIODYSTROPHY; NEURONAL DEGENERATION OF CHILDHOOD WITH LIVER DISEASE, PROGRESSIVE; Alpers-Huttenlocher Syndrome (AHS); Alpers Syndrome; Mitochondrial DNA Depletion Syndrome 4A; ALPERS DIFFUSE DEGENERATION OF CEREBRAL GRAY MATTER WITH HEPATIC CIRRHOSIS. Identifiers: Orphanet 726, MedGen C0205710, MONDO:0008758, OMIM 203700.

Allele frequency attached by ClinVar (database versions not stated): gnomAD exomes below 0.00001; TOPMed below 0.00001; gnomAD 0.00001.

Submissions (2):

Labcorp Genetics (formerly Invitae), Labcorp
Classification: Likely benign for Progressive sclerosing poliodystrophy. Last evaluated: 2025-07-02. Review status: criteria provided, single submitter. Criteria: Invitae Variant Classification Sherloc (09022015). Collection method: clinical testing. Allele origin: germline.

GeneDx
Classification: Likely benign. Last evaluated: 2016-09-30. Review status: criteria provided, single submitter. Criteria: GeneDx Variant Classification (06012015). Collection method: clinical testing. Allele origin: germline. Affected: yes.
Comment: This variant is considered likely benign or benign based on one or more of the following criteria: it is a conservative change, it occurs at a poorly conserved position in the protein, it is predicted to be benign by multiple in silico algorithms, and/or has population frequency not consistent with disease.

NM_002693.3(POLG):c.1433+14G>A

Gene: POLG (DNA polymerase gamma, catalytic subunit; minus strand). Cytogenetic location: 15q26.1.
Variant type: single nucleotide variant.
Coding change: c.1433+14G>A on transcript NM_002693.3 (MANE Select); 14 bases into the intron after coding-DNA position 1433, G replaced by A.
Molecular consequence: intron variant.
Genome position (GRCh38, 1-based): chr15:89,327,153, C>T on the plus strand (G>A on the coding strand, the complement: POLG is on the minus strand). VCF-style: chr15-89327153-C-T. GRCh37 (hg19) VCF-style: chr15-89870384-C-T.
Other names: c.1433+14G>A (NM_001126131.2).
Identifiers: ClinVar variation 389765 (VCV000389765.9), dbSNP rs1057522174, ClinGen allele CA16607072.